The following is an entry in ClinVar:

NM_145038.5(DRC1):c.1897G>A (p.Val633Ile)

Gene: DRC1 (dynein regulatory complex subunit 1; plus strand). Cytogenetic location: 2p23.3.
Variant type: single nucleotide variant.
Coding change: c.1897G>A on transcript NM_145038.5 (MANE Select); coding-DNA position 1897, G replaced by A.
Protein change: p.Val633Ile; replaces valine 633 with isoleucine.
Molecular consequence: missense variant.
Genome position (GRCh38, 1-based): chr2:26,453,527, G>A. VCF-style: chr2-26453527-G-A. GRCh37 (hg19) VCF-style: chr2-26676395-G-A.
Other names: short protein forms V633I.
Identifiers: ClinVar variation 1000140 (VCV001000140.9), dbSNP rs12623642, ClinGen allele CA1562427.
Genomic context (GRCh38, chr2:26,453,527, plus strand): 5'-ACCCCACCCTCCCCCTGGGTCATCCACCCCAATGATGTCCTCAAGATTCTGGAGGCCTTC[G>A]TCATGGGTCTGAAGAAGCCTAGGTGGGCTGCGGGGCTGGAAGGCTTGCCTGAGACCAGAA-3'
Protein context (NP_659475.2, residues 623-643): NDVLKILEAF[Val633Ile]MGLKKPRDSR

ClinVar aggregate classification (germline): Uncertain significance (1 of 4 stars; one submission).

Conditions:
Primary ciliary dyskinesia. Also called: Ciliary dyskinesia. Identifiers: Orphanet 244, MedGen C0008780, MONDO:0016575, HP:0012265.

Submission:

Labcorp Genetics (formerly Invitae), Labcorp
Classification: Uncertain significance for Primary ciliary dyskinesia. Last evaluated: 2020-10-11. Review status: criteria provided, single submitter. Criteria: Invitae Variant Classification Sherloc (09022015). Collection method: clinical testing. Allele origin: germline.
Comment: In summary, the available evidence is currently insufficient to determine the role of this variant in disease. Therefore, it has been classified as a Variant of Uncertain Significance. Algorithms developed to predict the effect of missense changes on protein structure and function (SIFT, PolyPhen-2, Align-GVGD) all suggest that this variant is likely to be tolerated, but these predictions have not been confirmed by published functional studies and their clinical significance is uncertain. This variant has not been reported in the literature in individuals with DRC1-related conditions. This variant is present in population databases (rs12623642, ExAC 0.01%). This sequence change replaces valine with isoleucine at codon 633 of the DRC1 protein (p.Val633Ile). The valine residue is highly conserved and there is a small physicochemical difference between valine and isoleucine.